The following is an entry in ClinVar:

NM_006231.4(POLE):c.6531+5G>T

Gene: POLE (DNA polymerase epsilon, catalytic subunit; minus strand). Cytogenetic location: 12q24.33.
Variant type: single nucleotide variant.
Coding change: c.6531+5G>T on transcript NM_006231.4 (MANE Select); 5 bases into the intron after coding-DNA position 6531, G replaced by T.
Molecular consequence: intron variant.
Genome position (GRCh38, 1-based): chr12:132,626,112, C>A on the plus strand (G>T on the coding strand, the complement: POLE is on the minus strand). VCF-style: chr12-132626112-C-A. GRCh37 (hg19) VCF-style: chr12-133202698-C-A.
Identifiers: ClinVar variation 973772 (VCV000973772.1), dbSNP rs368538240, ClinGen allele CA1139662970.

ClinVar aggregate classification (germline): Uncertain significance (1 of 4 stars; one submission).

Conditions:
Colorectal cancer, susceptibility to, 12 (CRCS12). Also called: COLORECTAL CANCER, SUSCEPTIBILITY TO, ON CHROMOSOME 12q24. Identifiers: Orphanet 220460, MedGen C3554460, MONDO:0014038, OMIM 615083.

Submission:

Division of Medical Genetics, University of Washington
Classification: Uncertain significance for Colorectal cancer, susceptibility to, 12. Last evaluated: 2019-03-22. Review status: criteria provided, single submitter. Criteria: ACMG Guidelines, 2015. Collection method: clinical testing. Allele origin: germline. Affected: no. Study: CSER_CHARM.
Comment: To our knowledge, this sequence variant has not been previously reported in the literature. The c.6531+5G>A variant affects a nucleotide in the consensus splice site of the intron and is predicted to lead to abberant splicing. The c.6531+5G>A variant has an allele frequency of 0.00006 in the Broad Institute ExAC Browser. Thus, it is unknown at this time whether this variant increases cancer risk.